The following is an entry in ClinVar:

ClinVar aggregate classification (germline): Benign. Review status: reviewed by expert panel (3 of 4 stars). 5 submissions from 5 submitters: Benign (1). 4 of the submissions do not count toward it. Last evaluated 2026-10-23.

Conditions:
Inborn genetic diseases. Identifiers: MedGen C0950123, MeSH D030342.
Alexander disease (ALXDRD). Also called: Alexander's disease. Identifiers: Orphanet 58, MedGen C0270726, MONDO:0008752, OMIM 203450.

Allele frequency attached by ClinVar (database versions not stated): ExAC 0.00016; gnomAD exomes 0.00017 and 0.00031; TOPMed 0.00017; gnomAD 0.00018 and 0.00020; ESP Exome Variant Server 0.00031.
gnomAD v4.1: 466 of 1,614,046 alleles (0.029%); highest among the groups gnomAD compares: Non-Finnish European, 0.038%; no homozygotes.

Submissions (5):

ClinGen Leukodystrophy and Leukoencephalopathy Variant Curation Expert Panel, ClinGen
Classification: Benign for Alexander disease. Last evaluated: 2026-10-23. Review status: reviewed by expert panel. Criteria: ClinGen Leuko ACMG Specifications GFAP V1.0. Collection method: curation. Allele origin: germline. Inheritance: Autosomal dominant inheritance.
Comment: The c.676G>A variant in GFAP is a missense variant predicted to cause substitution of valine by methionine at amino acid 226 (p.Val226Met). The GrpMax filtering allele frequency in gnomAD v4.1.0 is 0.0003466 from the European (non-Finnish) genetic ancestry group (the lower threshold of the 95% CI of 466/1614046 alleles), which is higher than the ClinGen Leukodystrophy and Leukoencephalopathy VCEP threshold (≥0.0001) for BA1, and therefore meets this criterion (BA1). This variant has not been reported in any probands/families meeting phenotypic criteria for Alexander disease. There is no conflicting evidence for this variant. In summary, this variant meets the criteria to be classified as benign for Alexander disease based on the ACMG/AMP criteria applied, as specified by the ClinGen Leukodystrophy and Leukoencephalopathy Expert Panel Specifications to the ACMG/AMP Variant Interpretation Guidelines for GFAP Version 1.0.0): (BA1).

Women's Health and Genetics/Laboratory Corporation of America, LabCorp
Classification: Uncertain significance. Last evaluated: 2025-12-09. Review status: criteria provided, single submitter. Criteria: LabCorp Variant Classification Summary - May 2015. Collection method: clinical testing. Allele origin: germline. Not counted in ClinVar's aggregate classification.
Comment: Variant summary: GFAP c.676G>A (p.Val226Met) results in a conservative amino acid change in the encoded protein sequence. Algorithms developed to predict the effect of missense changes on protein structure and function are either unavailable or do not agree on the potential impact of this missense change. The variant allele was found at a frequency of 0.00017 in 251410 control chromosomes. This frequency is not significantly higher than estimated for disease-causing variants in GFAP, allowing no conclusion about variant significance. To our knowledge, no occurrence of c.676G>A in individuals affected with GFAP-related conditions and no experimental evidence demonstrating its impact on protein function have been reported. ClinVar contains an entry for this variant (Variation ID: 804868). Based on the evidence outlined above, the variant was classified as uncertain significance.

Ambry Genetics
Classification: Likely benign for Inborn genetic diseases. Last evaluated: 2022-05-31. Review status: criteria provided, single submitter. Criteria: Ambry Variant Classification Scheme 2023. Collection method: clinical testing. Allele origin: germline. Not counted in ClinVar's aggregate classification.

Labcorp Genetics (formerly Invitae), Labcorp
Classification: Uncertain significance. Last evaluated: 2022-04-22. Review status: criteria provided, single submitter. Criteria: Invitae Variant Classification Sherloc (09022015). Collection method: clinical testing. Allele origin: germline. Not counted in ClinVar's aggregate classification.
Comment: This variant has not been reported in the literature in individuals affected with GFAP-related conditions. This variant is present in population databases (rs149883728, gnomAD 0.03%), and has an allele count higher than expected for a pathogenic variant. This sequence change replaces valine, which is neutral and non-polar, with methionine, which is neutral and non-polar, at codon 226 of the GFAP protein (p.Val226Met). ClinVar contains an entry for this variant (Variation ID: 804868). In summary, the available evidence is currently insufficient to determine the role of this variant in disease. Therefore, it has been classified as a Variant of Uncertain Significance. Algorithms developed to predict the effect of missense changes on protein structure and function output the following: SIFT: "Deleterious"; PolyPhen-2: "Benign"; Align-GVGD: "Class C0". The methionine amino acid residue is found in multiple mammalian species, which suggests that this missense change does not adversely affect protein function.

Athena Diagnostics
Classification: Likely benign. Last evaluated: 2019-04-25. Review status: criteria provided, single submitter. Criteria: Athena Diagnostics Criteria. Collection method: clinical testing. Allele origin: germline. Not counted in ClinVar's aggregate classification.

NM_002055.5(GFAP):c.676G>A (p.Val226Met)

Gene: GFAP (glial fibrillary acidic protein; minus strand). Cytogenetic location: 17q21.31.
Variant type: single nucleotide variant.
Coding change: c.676G>A on transcript NM_002055.5 (MANE Select); coding-DNA position 676, G replaced by A.
Protein change: p.Val226Met; replaces valine 226 with methionine.
Molecular consequence: missense variant.
Genome position (GRCh38, 1-based): chr17:44,913,373, C>T on the plus strand (G>A on the coding strand, the complement: GFAP is on the minus strand). VCF-style: chr17-44913373-C-T. GRCh37 (hg19) VCF-style: chr17-42990741-C-T.
Other names: NM_002055.5(GFAP):c.676G>A; p.Val226Met; c.676G>A, p.Val226Met (NM_001131019.3, NM_001242376.3, NM_001363846.2); short protein forms V226M.
Identifiers: ClinVar variation 804868 (VCV000804868.12), dbSNP rs149883728, ClinGen allele CA8608883.
Genomic context (GRCh38, chr17:44,913,373, plus strand): 5'-CCATTGCCTCATACTGCGTGCGGATCTCTTTCAGGGCTGCGGTGAGGTCTGGCTTGGCCA[C>T]GTCAAGCTCCACATGGACCTGCTGTCGGGCCAGCTGCTCCTGGAGTTCCCGAACCTCCTG-3'
Protein context (NP_002046.1, residues 216-236): ARQQVHVELD[Val226Met]AKPDLTAALK